The following is an entry in ClinVar:

NM_198271.5(LMOD3):c.252G>A (p.Met84Ile)

Genes: LMOD3 (leiomodin 3; minus strand), LOC126806710 (CDK7 strongly-dependent group 2 enhancer GRCh37_chr3:69170601-69171800; plus strand). Cytogenetic location: 3p14.1.
Variant type: single nucleotide variant.
Coding change: c.252G>A on transcript NM_198271.5 (MANE Select); coding-DNA position 252, G replaced by A.
Protein change: p.Met84Ile; replaces methionine 84 with isoleucine.
Molecular consequence: missense variant.
Genome position (GRCh38, 1-based): chr3:69,122,135, C>T on the plus strand (G>A on the coding strand, the complement: LMOD3 is on the minus strand). VCF-style: chr3-69122135-C-T. GRCh37 (hg19) VCF-style: chr3-69171286-C-T.
Other names: p.Met84Ile; c.252G>A, p.Met84Ile (NM_001304418.3); short protein forms M84I.
Identifiers: ClinVar variation 435783 (VCV000435783.15), dbSNP rs78574883, ClinGen allele CA2489044.

ClinVar aggregate classification (germline): Benign/Likely benign. Review status: criteria provided, multiple submitters, no conflicts (2 of 4 stars). 5 submissions from 5 submitters: Benign (3); Likely benign (2). Last evaluated 2022-12-29.

Conditions:
Nemaline myopathy 10 (NEM10). Identifiers: MedGen C4015360, MONDO:0014513, OMIM 616165.

Allele frequency attached by ClinVar (database versions not stated): 1000 Genomes Project 0.00919; TOPMed 0.00968; 1000 Genomes Project 30x 0.00843; gnomAD 0.00900 and 0.00968; ExAC 0.00321; gnomAD exomes 0.00228; ESP Exome Variant Server 0.00957.
gnomAD v4.1: 2,576 of 1,612,738 alleles (0.16%); highest among the groups gnomAD compares: African/African-American, 3.1%; 31 homozygotes.

Submissions (5):

Mayo Clinic Laboratories, Mayo Clinic
Classification: Benign. Last evaluated: 2022-12-29. Review status: criteria provided, single submitter. Criteria: ACMG Guidelines, 2015. Collection method: clinical testing. Allele origin: germline. Observed: 3 variant alleles.
Comment: BS1, BS2, BP4

Labcorp Genetics (formerly Invitae), Labcorp
Classification: Benign for Nemaline myopathy 10. Last evaluated: 2019-12-31. Review status: criteria provided, single submitter. Criteria: Invitae Variant Classification Sherloc (09022015). Collection method: clinical testing. Allele origin: germline.

GeneDx
Classification: Benign. Last evaluated: 2019-10-16. Review status: criteria provided, single submitter. Criteria: GeneDx Variant Classification Process June 2021. Collection method: clinical testing. Allele origin: germline. Affected: yes.

Genetic Services Laboratory, University of Chicago
Classification: Likely benign. Last evaluated: 2015-08-24. Review status: criteria provided, single submitter. Criteria: ACMG Guidelines, 2015. Collection method: clinical testing. Allele origin: germline. Affected: no.

Breakthrough Genomics
Classification: Likely benign. Review status: criteria provided, single submitter. Criteria: ACMG Guidelines, 2015. Collection method: not provided. Allele origin: germline. Inheritance: Autosomal recessive inheritance. Affected: yes.